The following is an entry in ClinVar:

ClinVar aggregate classification (germline): Benign/Likely benign. Review status: criteria provided, multiple submitters, no conflicts (2 of 4 stars). 4 submissions from 4 submitters: Benign (1); Likely benign (2). 1 of the submissions does not count toward it. Last evaluated 2026-01-19.

Conditions:
Dihydropyrimidinase deficiency (DPYSD). Also called: DPH DEFICIENCY; DPYS DEFICIENCY; dihydropyrimidinuria. Identifiers: Orphanet 38874, MedGen C0342803, MONDO:0009111, OMIM 222748.

Allele frequency attached by ClinVar (database versions not stated): gnomAD exomes 0.00126 and 0.00258; ExAC 0.00315; gnomAD 0.01032 and 0.01112; TOPMed 0.01194; ESP Exome Variant Server 0.01261; 1000 Genomes Project 30x 0.01390; 1000 Genomes Project 0.01398.
gnomAD v4.1: 3,460 of 1,614,202 alleles (0.21%); highest among the groups gnomAD compares: African/African-American, 3.7%; 60 homozygotes.

Submissions (4):

Labcorp Genetics (formerly Invitae), Labcorp
Classification: Benign. Last evaluated: 2026-01-19. Review status: criteria provided, single submitter. Criteria: Invitae Variant Classification Sherloc (09022015). Collection method: clinical testing. Allele origin: germline.

Illumina Laboratory Services, Illumina
Classification: Likely benign for Dihydropyrimidinase deficiency. Last evaluated: 2017-04-27. Review status: criteria provided, single submitter. Criteria: ICSL Variant Classification Criteria 13 December 2019. Collection method: clinical testing. Allele origin: germline.
Comment: This variant was observed as part of a predisposition screen in an ostensibly healthy population. A literature search was performed for the gene, cDNA change, and amino acid change (where applicable). No publications were found based on this search. Allele frequency data from public databases allowed determination this variant is unlikely to cause disease. Therefore, this variant is classified as likely benign.

Breakthrough Genomics
Classification: Likely benign. Review status: criteria provided, single submitter. Criteria: ACMG Guidelines, 2015. Collection method: not provided. Allele origin: germline. Inheritance: Autosomal recessive inheritance. Affected: yes.

Diasio Lab,  Mayo Clinic
No classification provided. Review status: no classification provided. Collection method: not provided. Allele origin: unknown. Not counted in ClinVar's aggregate classification.

NM_001385.3(DPYS):c.1062T>C (p.Asp354=)

Gene: DPYS (dihydropyrimidinase; minus strand). Cytogenetic location: 8q22.3.
Variant type: single nucleotide variant.
Coding change: c.1062T>C on transcript NM_001385.3 (MANE Select); coding-DNA position 1062, T replaced by C.
Protein change: p.Asp354=; no amino-acid change (aspartic acid 354 retained).
Molecular consequence: synonymous variant.
Genome position (GRCh38, 1-based): chr8:104,428,010, A>G on the plus strand (T>C on the coding strand, the complement: DPYS is on the minus strand). VCF-style: chr8-104428010-A-G. GRCh37 (hg19) VCF-style: chr8-105440238-A-G.
Identifiers: ClinVar variation 100138 (VCV000100138.16), dbSNP rs35013010, ClinGen allele CA228209.